The following is an entry in ClinVar:

ClinVar aggregate classification (germline): Benign. Review status: criteria provided, single submitter (1 of 4 stars). 2 submissions from 2 submitters: Benign (1). 1 of the submissions does not count toward it. Last evaluated 2019-12-31.

Conditions:
Holoprosencephaly 3 (HPE3). Identifiers: Orphanet 2162, MedGen C1840529, MONDO:0007733, OMIM 142945.
SHH-related disorder. Also called: SHH-related condition; SHH-related disorders.

Allele frequency attached by ClinVar (database versions not stated): 1000 Genomes Project 0.00120; 1000 Genomes Project 30x 0.00125; gnomAD 0.00153 and 0.00163; TOPMed 0.00174.
gnomAD v4.1: 232 of 152,330 alleles (0.15%); highest among the groups gnomAD compares: African/African-American, 0.48%; no homozygotes.

Submissions (2):

Labcorp Genetics (formerly Invitae), Labcorp
Classification: Benign for Holoprosencephaly 3. Last evaluated: 2019-12-31. Review status: criteria provided, single submitter. Criteria: Invitae Variant Classification Sherloc (09022015). Collection method: clinical testing. Allele origin: germline.

PreventionGenetics, part of Exact Sciences
Classification: Likely benign for SHH-related condition. Last evaluated: 2024-02-02. Review status: no assertion criteria provided. Collection method: clinical testing. Allele origin: germline. Not counted in ClinVar's aggregate classification.
Comment: This variant is classified as likely benign based on ACMG/AMP sequence variant interpretation guidelines (Richards et al. 2015 PMID: 25741868, with internal and published modifications).

NC_000007.14:g.156791884T>C

Genes: LMBR1 (limb development membrane protein 1; minus strand), SHH (sonic hedgehog signaling molecule; minus strand), ZRS (ZPA regulatory sequence; plus strand). Cytogenetic location: 7q36.3.
Variant type: single nucleotide variant.
Molecular consequence: intron variant (on NM_022458.4).
Genome position: GRCh38 VCF-style: chr7-156791884-T-C. GRCh37 (hg19) VCF-style: chr7-156584578-T-C.
Other names: c.360+4505A>G (NM_001363412.2); c.144+4505A>G (NM_001350954.2); c.423+4505A>G (NM_001363410.2, NM_022458.4, NM_001363409.2 and 1 more transcripts); c.-112+4505A>G (NM_001350958.2, NM_001350956.2, NM_001350955.2 and 1 more transcripts); c.54+4505A>G (NM_001350957.2, NM_001363411.2).
Identifiers: ClinVar variation 734130 (VCV000734130.6), dbSNP rs76511713, ClinGen allele CA169823513.
Genomic context (GRCh38, chr7:156,791,884, plus strand): 5'-CTTATGTTACCTTTTATGCTATGACTTCAAATCAAACATAGGCATTAAAGTTAAGTACAA[T>C]AGAAATTTACTCCCAGAAAAATCTTGGGTTTATGAATTAATCTGTCATAAATTTTACATA-3'